The following is an entry in ClinVar:

ClinVar aggregate classification (germline): Uncertain significance (1 of 4 stars; one submission).

Allele frequency attached by ClinVar (database versions not stated): gnomAD 0.00001; TOPMed 0.00001; ExAC 0.00002; gnomAD exomes 0.00002.
gnomAD v4.1: 32 of 1,614,014 alleles (0.002%); highest among the groups gnomAD compares: Middle Eastern, 0.016%; no homozygotes.

Submission:

Labcorp Genetics (formerly Invitae), Labcorp
Classification: Uncertain significance. Last evaluated: 2023-02-24. Review status: criteria provided, single submitter. Criteria: Invitae Variant Classification Sherloc (09022015). Collection method: clinical testing. Allele origin: germline.
Comment: In summary, the available evidence is currently insufficient to determine the role of this variant in disease. Therefore, it has been classified as a Variant of Uncertain Significance. An algorithm developed to predict the effect of missense changes on protein structure and function (PolyPhen-2) suggests that this variant is likely to be disruptive. This variant has not been reported in the literature in individuals affected with FAT2-related conditions. This variant is present in population databases (rs765083493, gnomAD 0.003%). This sequence change replaces glycine, which is neutral and non-polar, with serine, which is neutral and polar, at codon 3091 of the FAT2 protein (p.Gly3091Ser).

NM_001447.3(FAT2):c.9271G>A (p.Gly3091Ser)

Genes: FAT2 (FAT atypical cadherin 2; minus strand), SLC36A1 (solute carrier family 36 member 1; plus strand). Cytogenetic location: 5q33.1.
Variant type: single nucleotide variant.
Coding change: c.9271G>A on transcript NM_001447.3 (MANE Select); coding-DNA position 9271, G replaced by A.
Protein change: p.Gly3091Ser; replaces glycine 3091 with serine.
Molecular consequence: missense variant.
Genome position (GRCh38, 1-based): chr5:151,534,565, C>T on the plus strand (G>A on the coding strand, the complement: FAT2 is on the minus strand). VCF-style: chr5-151534565-C-T. GRCh37 (hg19) VCF-style: chr5-150914126-C-T.
Other names: short protein forms G3091S.
Identifiers: ClinVar variation 2900647 (VCV002900647.3), dbSNP rs765083493, ClinGen allele CA3520605.